The following is an entry in ClinVar:

NM_003737.4(DCHS1):c.9750G>A (p.Met3250Ile)

Gene: DCHS1 (dachsous cadherin-related 1; minus strand). Cytogenetic location: 11p15.4.
Variant type: single nucleotide variant.
Coding change: c.9750G>A on transcript NM_003737.4 (MANE Select); coding-DNA position 9750, G replaced by A.
Protein change: p.Met3250Ile; replaces methionine 3250 with isoleucine.
Molecular consequence: missense variant.
Genome position (GRCh38, 1-based): chr11:6,621,926, C>T on the plus strand (G>A on the coding strand, the complement: DCHS1 is on the minus strand). VCF-style: chr11-6621926-C-T. GRCh37 (hg19) VCF-style: chr11-6643157-C-T.
Other names: c.9750G>A (NM_003737.3); short protein forms M3250I.
Identifiers: ClinVar variation 4617001 (VCV004617001.2).

ClinVar aggregate classification (germline): Uncertain significance. Review status: criteria provided, multiple submitters, no conflicts (2 of 4 stars). 2 submissions from 2 submitters: Uncertain significance (2). Last evaluated 2025-12-09.

Conditions:
Inborn genetic diseases. Identifiers: MedGen C0950123, MeSH D030342.
DCHS1-related disorder. Also called: DCHS1-related condition.

gnomAD v4.1: 38 of 1,613,368 alleles (0.0024%); highest among the groups gnomAD compares: South Asian, 0.023%; no homozygotes.

Submissions (2):

Ambry Genetics
Classification: Uncertain significance for Inborn genetic diseases. Last evaluated: 2025-12-09. Review status: criteria provided, single submitter. Criteria: Ambry Variant Classification Scheme 2023. Collection method: clinical testing. Allele origin: germline.

PreventionGenetics, part of Exact Sciences
Classification: Uncertain significance for DCHS1-related condition. Last evaluated: 2025-06-07. Review status: criteria provided, single submitter. Criteria: ACMG Guidelines, 2015. Collection method: clinical testing. Allele origin: germline.
Comment: The DCHS1 c.9750G>A variant is predicted to result in the amino acid substitution p.Met3250Ile. To our knowledge, this variant has not been reported in the literature. This variant is reported in 0.016% of alleles in individuals of South Asian descent in gnomAD. At this time, the clinical significance of this variant is uncertain due to the absence of conclusive functional and genetic evidence.